The following is an entry in ClinVar:

ClinVar aggregate classification (germline): Uncertain significance. Review status: criteria provided, multiple submitters, no conflicts (2 of 4 stars). 4 submissions from 4 submitters: Uncertain significance (4). Last evaluated 2023-02-15.

Conditions:
Alkuraya-Kucinskas syndrome. Identifiers: Orphanet 610569, MedGen C4693347, MONDO:0060631, OMIM 617822.

Allele frequency attached by ClinVar (database versions not stated): gnomAD 0.00013 and 0.00014; TOPMed 0.00014; 1000 Genomes Project 30x 0.00016; gnomAD exomes 0.00031 and 0.00042; ESP Exome Variant Server 0.00042; ExAC 0.00045.
gnomAD v4.1: 625 of 1,612,888 alleles (0.039%); highest among the groups gnomAD compares: Non-Finnish European, 0.051%; no homozygotes.

Submissions (4):

Ambry Genetics
Classification: Uncertain significance. Last evaluated: 2023-02-15. Review status: criteria provided, single submitter. Criteria: Ambry Variant Classification Scheme 2023. Collection method: clinical testing. Allele origin: germline.

GeneDx
Classification: Uncertain significance. Last evaluated: 2022-11-17. Review status: criteria provided, single submitter. Criteria: GeneDx Variant Classification Process June 2021. Collection method: clinical testing. Allele origin: germline. Affected: yes.
Comment: In silico analysis supports that this missense variant has a deleterious effect on protein structure/function; Has not been previously published as pathogenic or benign to our knowledge

Baylor Genetics
Classification: Uncertain significance for Alkuraya-Kucinskas syndrome. Last evaluated: 2018-04-30. Review status: criteria provided, single submitter. Criteria: ACMG Guidelines, 2015. Collection method: clinical testing. Allele origin: maternal. Affected: yes.
Comment: This variant was determined to be of uncertain significance according to ACMG Guidelines, 2015 [PMID:25741868].

Breakthrough Genomics
Classification: Uncertain significance. Review status: criteria provided, single submitter. Criteria: ACMG Guidelines, 2015. Collection method: not provided. Allele origin: germline. Inheritance: Unknown mechanism. Affected: yes.

NM_001384125.1(BLTP1):c.8411T>C (p.Ile2804Thr)

Gene: BLTP1 (bridge-like lipid transfer protein family member 1; plus strand). Cytogenetic location: 4q27.
Variant type: single nucleotide variant.
Coding change: c.8411T>C on transcript NM_001384125.1 (MANE Select); coding-DNA position 8411, T replaced by C.
Protein change: p.Ile2804Thr; replaces isoleucine 2804 with threonine.
Molecular consequence: missense variant.
Genome position (GRCh38, 1-based): chr4:122,272,370, T>C. VCF-style: chr4-122272370-T-C. GRCh37 (hg19) VCF-style: chr4-123193525-T-C.
Other names: c.8411T>C, p.Ile2804Thr (NM_015312.4); short protein forms I2804T.
Identifiers: ClinVar variation 1033766 (VCV001033766.5), dbSNP rs201636127, ClinGen allele CA3067151.